The following is an entry in ClinVar:

NM_017763.6(RNF43):c.671C>G (p.Pro224Arg)

Gene: RNF43 (ring finger protein 43; minus strand). Cytogenetic location: 17q22.
Variant type: single nucleotide variant.
Coding change: c.671C>G on transcript NM_017763.6 (MANE Select); coding-DNA position 671, C replaced by G.
Protein change: p.Pro224Arg; replaces proline 224 with arginine.
Molecular consequence: missense variant.
Genome position (GRCh38, 1-based): chr17:58,362,560, G>C on the plus strand (C>G on the coding strand, the complement: RNF43 is on the minus strand). VCF-style: chr17-58362560-G-C. GRCh37 (hg19) VCF-style: chr17-56439921-G-C.
Other names: c.671C>G (NM_017763.4); c.290C>G, p.Pro97Arg (NM_001305545.2); c.671C>G, p.Pro224Arg (NM_001305544.3); short protein forms P224R, P97R.
Identifiers: ClinVar variation 1035470 (VCV001035470.12), dbSNP rs374485752, ClinGen allele CA8673349.
Genomic context (GRCh38, chr17:58,362,560, plus strand): 5'-CACACGCACACGTTCACCGCCGCCAAAGACCCCACACTGCTCACCGGCCTGCTGTGGCGG[G>C]GGCGGCACCGGATGCGCAGCACCGAAGCCAGGATGATCACAAAGATGGTGCCCACCACTG-3'
Protein context (NP_060233.3, residues 214-234): LASVLRIRCR[Pro224Arg]RHSRPDPLQQ

ClinVar aggregate classification (germline): Conflicting classifications of pathogenicity. Review status: criteria provided, conflicting classifications (1 of 4 stars). 4 submissions from 4 submitters: Uncertain significance (3); Likely benign (1). Last evaluated 2025-09-26.

Conditions:
Sessile serrated polyposis cancer syndrome (SSPCS). Identifiers: Orphanet 157798, MedGen C4310714, MONDO:0014919, OMIM 617108.

Allele frequency attached by ClinVar (database versions not stated): gnomAD exomes 0.00015 and 0.00002; ESP Exome Variant Server 0.00008; ExAC 0.00002; TOPMed 0.00009; gnomAD 0.00004.
gnomAD v4.1: 241 of 1,606,602 alleles (0.015%); highest among the groups gnomAD compares: Non-Finnish European, 0.018%; no homozygotes.

Submissions (4):

GeneDx
Classification: Uncertain significance. Last evaluated: 2025-09-26. Review status: criteria provided, single submitter. Criteria: GeneDx Variant Classification Process June 2021. Collection method: clinical testing. Allele origin: germline.
Comment: In silico analysis suggests that this missense variant does not alter protein structure/function; Has not been previously published as pathogenic or benign to our knowledge

Ambry Genetics
Classification: Likely benign. Last evaluated: 2025-05-21. Review status: criteria provided, single submitter. Criteria: Ambry Variant Classification Scheme 2023. Collection method: clinical testing. Allele origin: germline.

Labcorp Genetics (formerly Invitae), Labcorp
Classification: Uncertain significance. Last evaluated: 2025-01-08. Review status: criteria provided, single submitter. Criteria: Invitae Variant Classification Sherloc (09022015). Collection method: clinical testing. Allele origin: germline.
Comment: This sequence change replaces proline, which is neutral and non-polar, with arginine, which is basic and polar, at codon 224 of the RNF43 protein (p.Pro224Arg). This variant is present in population databases (rs374485752, gnomAD 0.008%). This variant has not been reported in the literature in individuals affected with RNF43-related conditions. ClinVar contains an entry for this variant (Variation ID: 1035470). An algorithm developed to predict the effect of missense changes on protein structure and function (PolyPhen-2) suggests that this variant is likely to be disruptive. In summary, the available evidence is currently insufficient to determine the role of this variant in disease. Therefore, it has been classified as a Variant of Uncertain Significance.

Baylor Genetics
Classification: Uncertain significance for Sessile serrated polyposis cancer syndrome. Last evaluated: 2024-01-30. Review status: criteria provided, single submitter. Criteria: ACMG Guidelines, 2015. Collection method: clinical testing. Allele origin: unknown.